The following is an entry in ClinVar:

NM_170707.4(LMNA):c.1634G>T (p.Arg545Leu)

Gene: LMNA (lamin A/C; plus strand). Cytogenetic location: 1q22.
Variant type: single nucleotide variant.
Coding change: c.1634G>T on transcript NM_170707.4 (MANE Select); coding-DNA position 1634, G replaced by T.
Protein change: p.Arg545Leu; replaces arginine 545 with leucine.
Molecular consequence: missense variant. On other transcripts: intron variant (1).
Genome position (GRCh38, 1-based): chr1:156,137,679, G>T. VCF-style: chr1-156137679-G-T. GRCh37 (hg19) VCF-style: chr1-156107470-G-T.
Other names: c.1010G>T, p.Arg337Leu (NM_001407001.1, NM_001406994.1, NM_001406999.1 and 1 more transcripts); c.1076G>T, p.Arg359Leu (NM_001407002.1, NM_001407003.1, NM_001406993.1 and 4 more transcripts); c.1634G>T, p.Arg545Leu (NM_005572.4, NM_001406991.1, NM_001406992.1 and 5 more transcripts); c.1608+447G>T (NM_170708.4); c.1298G>T, p.Arg433Leu (NM_001406998.1, NM_001257374.3, NM_001406989.1); c.1391G>T, p.Arg464Leu (NM_001282624.2, NM_001406986.1, NM_001406987.1); c.1337G>T, p.Arg446Leu (NM_001406988.1); short protein forms R464L, R545L, R337L, R446L, R359L, R433L.
Identifiers: ClinVar variation 2918920 (VCV002918920.3), dbSNP rs142191737, ClinGen allele CA342825445.

ClinVar aggregate classification (germline): Uncertain significance (1 of 4 stars; one submission).

Conditions:
Charcot-Marie-Tooth disease type 2. Also called: Charcot-Marie-Tooth type 2. Identifiers: Orphanet 64746, MedGen C0270914, MONDO:0018993.

Submission:

Labcorp Genetics (formerly Invitae), Labcorp
Classification: Uncertain significance for Charcot-Marie-Tooth disease type 2. Last evaluated: 2023-11-17. Review status: criteria provided, single submitter. Criteria: Invitae Variant Classification Sherloc (09022015). Collection method: clinical testing. Allele origin: germline.
Comment: This sequence change replaces arginine, which is basic and polar, with leucine, which is neutral and non-polar, at codon 545 of the LMNA protein (p.Arg545Leu). This variant is not present in population databases (gnomAD no frequency). This variant has not been reported in the literature in individuals affected with LMNA-related conditions. Advanced modeling of protein sequence and biophysical properties (such as structural, functional, and spatial information, amino acid conservation, physicochemical variation, residue mobility, and thermodynamic stability) performed at Invitae indicates that this missense variant is expected to disrupt LMNA protein function with a positive predictive value of 95%. In summary, the available evidence is currently insufficient to determine the role of this variant in disease. Therefore, it has been classified as a Variant of Uncertain Significance.